The following is an entry in ClinVar:

NM_001035.3(RYR2):c.3398G>A (p.Arg1133His)

Gene: RYR2 (ryanodine receptor 2; plus strand). Cytogenetic location: 1q43.
Variant type: single nucleotide variant.
Coding change: c.3398G>A on transcript NM_001035.3 (MANE Select); coding-DNA position 3398, G replaced by A.
Protein change: p.Arg1133His; replaces arginine 1133 with histidine.
Molecular consequence: missense variant.
Genome position (GRCh38, 1-based): chr1:237,566,750, G>A. VCF-style: chr1-237566750-G-A. GRCh37 (hg19) VCF-style: chr1-237730050-G-A.
Other names: c.3398G>A, p.Arg1133His (LRG_402t1); short protein forms R1133H.
Identifiers: ClinVar variation 404198 (VCV000404198.17), dbSNP rs374397612, ClinGen allele CA071505.

ClinVar aggregate classification (germline): Conflicting classifications of pathogenicity. Review status: criteria provided, conflicting classifications (1 of 4 stars). 4 submissions from 4 submitters: Uncertain significance (2); Likely benign (2). Last evaluated 2025-01-21.

Conditions:
Catecholaminergic polymorphic ventricular tachycardia 1. Also called: VENTRICULAR TACHYCARDIA, CATECHOLAMINERGIC POLYMORPHIC, 1, WITH OR WITHOUT ATRIAL DYSFUNCTION AND/OR DILATED CARDIOMYOPATHY; VENTRICULAR TACHYCARDIA, STRESS-INDUCED POLYMORPHIC 1; RYR2-Related Catecholaminergic Polymorphic Ventricular Tachycardia. Identifiers: Orphanet 3286, MedGen C1631597, MONDO:0011484, OMIM 604772.
Cardiovascular phenotype. Identifiers: MedGen CN230736.
Cardiomyopathy (CMYO). Also called: Cardiomyopathies. Identifiers: Orphanet 167848, MedGen C0878544, MONDO:0004994, HP:0001638. Inheritance: Various modes of inheritance.

Allele frequency attached by ClinVar (database versions not stated): ExAC 0.00007; ESP Exome Variant Server 0.00008; TOPMed 0.00002.
gnomAD v4.1: 71 of 1,613,984 alleles (0.0044%); highest among the groups gnomAD compares: South Asian, 0.069%; no homozygotes.

Submissions (4):

GeneDx
Classification: Uncertain significance. Last evaluated: 2025-01-21. Review status: criteria provided, single submitter. Criteria: GeneDx Variant Classification Process June 2021. Collection method: clinical testing. Allele origin: germline.
Comment: In silico analysis supports that this missense variant has a deleterious effect on protein structure/function; Not located in one of the three hot-spot regions of the RYR2 gene, where the majority of pathogenic missense variants occur (PMID: 19926015); Has not been previously published as pathogenic or benign to our knowledge; This variant is associated with the following publications: (PMID: 19926015, 28404607)

Labcorp Genetics (formerly Invitae), Labcorp
Classification: Likely benign for Catecholaminergic polymorphic ventricular tachycardia 1. Last evaluated: 2024-03-11. Review status: criteria provided, single submitter. Criteria: Invitae Variant Classification Sherloc (09022015). Collection method: clinical testing. Allele origin: germline.

Ambry Genetics
Classification: Uncertain significance for Cardiovascular phenotype. Last evaluated: 2023-07-07. Review status: criteria provided, single submitter. Criteria: Ambry Variant Classification Scheme 2023. Collection method: clinical testing. Allele origin: germline.
Comment: The p.R1133H variant (also known as c.3398G>A), located in coding exon 28 of the RYR2 gene, results from a G to A substitution at nucleotide position 3398. The arginine at codon 1133 is replaced by histidine, an amino acid with highly similar properties. This alteration has been reported in a whole exome sequencing cohort (Landstrom AP et al. Circ Arrhythm Electrophysiol, 2017 Apr;10:). This amino acid position is poorly conserved in available vertebrate species. In addition, this alteration is predicted to be tolerated by in silico analysis. Since supporting evidence is limited at this time, the clinical significance of this alteration remains unclear.

Color Diagnostics, LLC DBA Color Health
Classification: Likely benign for Cardiomyopathy. Last evaluated: 2021-07-15. Review status: criteria provided, single submitter. Criteria: ACMG Guidelines, 2015. Collection method: clinical testing. Allele origin: germline.

Literature cited by the submitters: PubMed 28404607 (cited by Ambry Genetics).